The following is an entry in ClinVar:

ClinVar aggregate classification (germline): Likely benign. Review status: criteria provided, multiple submitters, no conflicts (2 of 4 stars). 3 submissions from 3 submitters: Likely benign (3). Last evaluated 2023-03-28.

Conditions:
Inborn genetic diseases. Identifiers: MedGen C0950123, MeSH D030342.
Angelman syndrome (AS). Also called: HAPPY PUPPET SYNDROME. Identifiers: Orphanet 72, MedGen C0162635, MONDO:0007113, OMIM 105830. Disease mechanism: loss of function. Inheritance: imprinting disorder, AS is caused by disruption of maternally imprinted UBE3A located within the 15q11.2-q13 Angelman syndrome/Prader-Willi syndrome (AS/PWS) region..

Allele frequency attached by ClinVar (database versions not stated): gnomAD 0.00001; gnomAD exomes 0.00001 and 0.00003; TOPMed 0.00001; ExAC 0.00002.
gnomAD v4.1: 15 of 1,613,224 alleles (0.00093%); highest among the groups gnomAD compares: East Asian, 0.016%; no homozygotes.

Submissions (3):

Labcorp Genetics (formerly Invitae), Labcorp
Classification: Likely benign for Angelman syndrome. Last evaluated: 2023-03-28. Review status: criteria provided, single submitter. Criteria: Invitae Variant Classification Sherloc (09022015). Collection method: clinical testing. Allele origin: germline.

Ambry Genetics
Classification: Likely benign for Inborn genetic diseases. Last evaluated: 2017-02-11. Review status: criteria provided, single submitter. Criteria: Ambry Variant Classification Scheme 2023. Collection method: clinical testing. Allele origin: germline.

GeneDx
Classification: Likely benign. Last evaluated: 2016-09-21. Review status: criteria provided, single submitter. Criteria: GeneDx Variant Classification (06012015). Collection method: clinical testing. Allele origin: germline. Affected: yes.
Comment: This variant is considered likely benign or benign based on one or more of the following criteria: it is a conservative change, it occurs at a poorly conserved position in the protein, it is predicted to be benign by multiple in silico algorithms, and/or has population frequency not consistent with disease.

NM_130839.5(UBE3A):c.2370C>T (p.Ile790=)

Genes: SNHG14 (small nucleolar RNA host gene 14; plus strand), UBE3A (ubiquitin protein ligase E3A; minus strand). Cytogenetic location: 15q11.2.
Variant type: single nucleotide variant.
Coding change: c.2370C>T on transcript NM_130839.5 (MANE Select); coding-DNA position 2370, C replaced by T.
Protein change: p.Ile790=; no amino-acid change (isoleucine 790 retained).
Molecular consequence: synonymous variant. On other transcripts: non-coding transcript variant (1).
Genome position (GRCh38, 1-based): chr15:25,340,213, G>A on the plus strand (C>T on the coding strand, the complement: UBE3A is on the minus strand). VCF-style: chr15-25340213-G-A. GRCh37 (hg19) VCF-style: chr15-25585360-G-A.
Other names: c.2379C>T, p.Ile793= (NM_000462.5); c.2370C>T, p.Ile790= (NM_001354505.1, NM_001354538.2); c.2310C>T, p.Ile770= (NM_001354506.2, NM_001354507.2, NM_001354508.2 and 14 more transcripts); c.2214C>T, p.Ile738= (NM_001354545.2); c.2193C>T, p.Ile731= (NM_001354546.2); c.2154C>T, p.Ile718= (NM_001354547.2, NM_001354548.2); c.2145C>T, p.Ile715= (NM_001354549.2); c.1119C>T, p.Ile373= (NM_001354550.2); and 1 more.
Identifiers: ClinVar variation 389276 (VCV000389276.10), dbSNP rs767254317, ClinGen allele CA7435367.